The following is an entry in ClinVar:

ClinVar aggregate classification (germline): Pathogenic (1 of 4 stars; one submission).

Conditions:
Glycogen storage disease, type IV (GSD4). Also called: AMYLOPECTINOSIS; ANDERSEN DISEASE; BRANCHER DEFICIENCY; CIRRHOSIS, FAMILIAL, WITH DEPOSITION OF ABNORMAL GLYCOGEN; GBE1 DEFICIENCY; GLYCOGEN BRANCHING ENZYME DEFICIENCY. Identifiers: Orphanet 367, MedGen C0017923, MONDO:0009292, OMIM 232500.
Glycogen storage disease IV, classic hepatic. Also called: GSD IV, CLASSIC HEPATIC. Identifiers: MedGen C1856301.

Submission:

Labcorp Genetics (formerly Invitae), Labcorp
Classification: Pathogenic for Glycogen storage disease, type IV; Glycogen storage disease IV, classic hepatic. Last evaluated: 2024-02-15. Review status: criteria provided, single submitter. Criteria: Invitae Variant Classification Sherloc (09022015). Collection method: clinical testing. Allele origin: germline.
Comment: This sequence change creates a premature translational stop signal (p.Gln236*) in the GBE1 gene. It is expected to result in an absent or disrupted protein product. Loss-of-function variants in GBE1 are known to be pathogenic (PMID: 15452297, 20058079). This variant is present in population databases (rs763509976, gnomAD 0.006%). This variant has not been reported in the literature in individuals affected with GBE1-related conditions. Algorithms developed to predict the effect of sequence changes on RNA splicing suggest that this variant may disrupt the consensus splice site. For these reasons, this variant has been classified as Pathogenic.

Literature cited by the submitters: PubMed 15452297; PubMed 20058079.

NM_000158.4(GBE1):c.706C>T (p.Gln236Ter)

Gene: GBE1 (1,4-alpha-glucan branching enzyme 1; minus strand). Cytogenetic location: 3p12.2.
Variant type: single nucleotide variant.
Coding change: c.706C>T on transcript NM_000158.4 (MANE Select); coding-DNA position 706, C replaced by T.
Protein change: p.Gln236Ter; replaces glutamine 236 with a stop codon.
Molecular consequence: nonsense.
Genome position (GRCh38, 1-based): chr3:81,646,468, G>A on the plus strand (C>T on the coding strand, the complement: GBE1 is on the minus strand). VCF-style: chr3-81646468-G-A. GRCh37 (hg19) VCF-style: chr3-81695619-G-A.
Other names: short protein forms Q236*.
Identifiers: ClinVar variation 3754613 (VCV003754613.2).
Genomic context (GRCh38, chr3:81,646,468, plus strand): 5'-AGCTTGTGATTTGGTAACCAAAGCTGGCATAGTAAGCATGCTCCATGATTGCCATCAACT[G>A]AATGCAGTTGTATCCTATATAAGGCAATGGTCAAATCTAAATTAAAAGCCACATTTAAAA-3'